The following is an entry in ClinVar:

ClinVar aggregate classification (germline): Uncertain significance. Review status: criteria provided, multiple submitters, no conflicts (2 of 4 stars). 2 submissions from 2 submitters: Uncertain significance (2). Last evaluated 2025-06-03.

Conditions:
Inborn genetic diseases. Identifiers: MedGen C0950123, MeSH D030342.

Allele frequency attached by ClinVar (database versions not stated): gnomAD exomes 0.00002 and 0.00003; gnomAD 0.00001 and 0.00003; ExAC 0.00002; 1000 Genomes Project 30x 0.00031; TOPMed 0.00002; 1000 Genomes Project 0.00020.
gnomAD v4.1: 27 of 1,614,134 alleles (0.0017%); highest among the groups gnomAD compares: Middle Eastern, 0.099%; no homozygotes.

Submissions (2):

Ambry Genetics
Classification: Uncertain significance for Inborn genetic diseases. Last evaluated: 2025-06-03. Review status: criteria provided, single submitter. Criteria: Ambry Variant Classification Scheme 2023. Collection method: clinical testing. Allele origin: germline.

Labcorp Genetics (formerly Invitae), Labcorp
Classification: Uncertain significance. Last evaluated: 2022-05-27. Review status: criteria provided, single submitter. Criteria: Invitae Variant Classification Sherloc (09022015). Collection method: clinical testing. Allele origin: germline.
Comment: This sequence change replaces valine, which is neutral and non-polar, with leucine, which is neutral and non-polar, at codon 4520 of the FAT4 protein (p.Val4520Leu). This variant is present in population databases (rs200205392, gnomAD 0.009%). This variant has not been reported in the literature in individuals affected with FAT4-related conditions. ClinVar contains an entry for this variant (Variation ID: 1007905). Advanced modeling of protein sequence and biophysical properties (such as structural, functional, and spatial information, amino acid conservation, physicochemical variation, residue mobility, and thermodynamic stability) performed at Invitae indicates that this missense variant is not expected to disrupt FAT4 protein function. In summary, the available evidence is currently insufficient to determine the role of this variant in disease. Therefore, it has been classified as a Variant of Uncertain Significance.

NM_001291303.3(FAT4):c.13564G>C (p.Val4522Leu)

Gene: FAT4 (FAT atypical cadherin 4; plus strand). Cytogenetic location: 4q28.1.
Variant type: single nucleotide variant.
Coding change: c.13564G>C on transcript NM_001291303.3 (MANE Select); coding-DNA position 13564, G replaced by C.
Protein change: p.Val4522Leu; replaces valine 4522 with leucine.
Molecular consequence: missense variant.
Genome position (GRCh38, 1-based): chr4:125,490,380, G>C. VCF-style: chr4-125490380-G-C. GRCh37 (hg19) VCF-style: chr4-126411535-G-C.
Other names: c.13561G>C, p.Val4521Leu (NM_001291285.3); c.13558G>C, p.Val4520Leu (NM_024582.6); c.13558G>C (NM_024582.4); short protein forms V4520L, V4521L, V4522L.
Identifiers: ClinVar variation 1007905 (VCV001007905.3), dbSNP rs200205392, ClinGen allele CA3074393.